The following is an entry in ClinVar:

NM_152464.3(VMA12):c.177C>T (p.Leu59=)

Genes: VMA12 (vacuolar ATPase assembly factor VMA12; plus strand), LOC130060544 (ATAC-STARR-seq lymphoblastoid active region 11924; plus strand). Cytogenetic location: 17q11.2.
Variant type: single nucleotide variant.
Coding change: c.177C>T on transcript NM_152464.3 (MANE Select); coding-DNA position 177, C replaced by T.
Protein change: p.Leu59=; no amino-acid change (leucine 59 retained).
Molecular consequence: synonymous variant.
Genome position (GRCh38, 1-based): chr17:28,357,847, C>T. VCF-style: chr17-28357847-C-T. GRCh37 (hg19) VCF-style: chr17-26684870-C-T.
Identifiers: ClinVar variation 1637417 (VCV001637417.29), dbSNP rs781823684, ClinGen allele CA8456957.

ClinVar aggregate classification (germline): Likely benign. Review status: criteria provided, multiple submitters, no conflicts (2 of 4 stars). 2 submissions from 2 submitters: Likely benign (2). Last evaluated 2024-03-01.

Allele frequency attached by ClinVar (database versions not stated): gnomAD 0.00001; gnomAD exomes 0.00001 and 0.00002; ExAC 0.00002; TOPMed 0.00002.
gnomAD v4.1: 10 of 1,613,984 alleles (0.00062%); highest among the groups gnomAD compares: Admixed American, 0.0033%; no homozygotes.

Submissions (2):

CeGaT Center for Human Genetics Tuebingen
Classification: Likely benign. Last evaluated: 2024-03-01. Review status: criteria provided, single submitter. Criteria: CeGaT Center For Human Genetics Tuebingen Variant Classification Criteria Version 2. Collection method: clinical testing. Allele origin: germline. Affected: yes. Observed: 1 variant allele.
Comment: VMA12: BP4, BP7

Labcorp Genetics (formerly Invitae), Labcorp
Classification: Likely benign. Last evaluated: 2022-08-15. Review status: criteria provided, single submitter. Criteria: Invitae Variant Classification Sherloc (09022015). Collection method: clinical testing. Allele origin: germline.